The following is an entry in ClinVar:

ClinVar aggregate classification (germline): Uncertain significance (1 of 4 stars; one submission).

Submission:

Labcorp Genetics (formerly Invitae), Labcorp
Classification: Uncertain significance. Last evaluated: 2024-02-18. Review status: criteria provided, single submitter. Criteria: Invitae Variant Classification Sherloc (09022015). Collection method: clinical testing. Allele origin: germline.
Comment: This sequence change replaces glutamic acid, which is acidic and polar, with aspartic acid, which is acidic and polar, at codon 467 of the FN1 protein (p.Glu467Asp). This variant is not present in population databases (gnomAD no frequency). This variant has not been reported in the literature in individuals affected with FN1-related conditions. Advanced modeling of protein sequence and biophysical properties (such as structural, functional, and spatial information, amino acid conservation, physicochemical variation, residue mobility, and thermodynamic stability) performed at Invitae indicates that this missense variant is not expected to disrupt FN1 protein function with a negative predictive value of 80%. In summary, the available evidence is currently insufficient to determine the role of this variant in disease. Therefore, it has been classified as a Variant of Uncertain Significance.

NM_212482.4(FN1):c.1401G>C (p.Glu467Asp)

Gene: FN1 (fibronectin 1; minus strand). Cytogenetic location: 2q35.
Variant type: single nucleotide variant.
Coding change: c.1401G>C on transcript NM_212482.4 (MANE Select); coding-DNA position 1401, G replaced by C.
Protein change: p.Glu467Asp; replaces glutamic acid 467 with aspartic acid.
Molecular consequence: missense variant.
Genome position (GRCh38, 1-based): chr2:215,422,236, C>G on the plus strand (G>C on the coding strand, the complement: FN1 is on the minus strand). VCF-style: chr2-215422236-C-G. GRCh37 (hg19) VCF-style: chr2-216286959-C-G.
Other names: c.1401G>C, p.Glu467Asp (NM_001306129.2, NM_001306130.2, NM_001306131.2 and 14 more transcripts); short protein forms E467D.
Identifiers: ClinVar variation 3640395 (VCV003640395.2).